The following is an entry in ClinVar:

NM_001943.5(DSG2):c.2873C>T (p.Pro958Leu)

Genes: DSG2 (desmoglein 2; plus strand), DSG2-AS1 (DSG2 antisense RNA 1; minus strand). Cytogenetic location: 18q12.1.
Variant type: single nucleotide variant.
Coding change: c.2873C>T on transcript NM_001943.5 (MANE Select); coding-DNA position 2873, C replaced by T.
Protein change: p.Pro958Leu; replaces proline 958 with leucine.
Molecular consequence: missense variant.
Genome position (GRCh38, 1-based): chr18:31,546,259, C>T. VCF-style: chr18-31546259-C-T. GRCh37 (hg19) VCF-style: chr18-29126222-C-T.
Other names: short protein forms P958L.
Identifiers: ClinVar variation 1797072 (VCV001797072.2), dbSNP rs2510922515, ClinGen allele CA402147196.

ClinVar aggregate classification (germline): Uncertain significance (1 of 4 stars; one submission).

Conditions:
Cardiovascular phenotype. Identifiers: MedGen CN230736.

Submission:

Ambry Genetics
Classification: Uncertain significance for Cardiovascular phenotype. Last evaluated: 2021-07-12. Review status: criteria provided, single submitter. Criteria: Ambry Variant Classification Scheme 2023. Collection method: clinical testing. Allele origin: germline.
Comment: The p.P958L variant (also known as c.2873C>T), located in coding exon 15 of the DSG2 gene, results from a C to T substitution at nucleotide position 2873. The proline at codon 958 is replaced by leucine, an amino acid with similar properties. This amino acid position is conserved. In addition, this alteration is predicted to be tolerated by in silico analysis. Since supporting evidence is limited at this time, the clinical significance of this alteration remains unclear.